The following is an entry in ClinVar:

NM_004655.4(AXIN2):c.2060C>G (p.Pro687Arg)

Gene: AXIN2 (axin 2; minus strand). Cytogenetic location: 17q24.1.
Variant type: single nucleotide variant.
Coding change: c.2060C>G on transcript NM_004655.4 (MANE Select); coding-DNA position 2060, C replaced by G.
Protein change: p.Pro687Arg; replaces proline 687 with arginine.
Molecular consequence: missense variant.
Genome position (GRCh38, 1-based): chr17:65,536,401, G>C on the plus strand (C>G on the coding strand, the complement: AXIN2 is on the minus strand). VCF-style: chr17-65536401-G-C. GRCh37 (hg19) VCF-style: chr17-63532519-G-C.
Other names: c.1865C>G, p.Pro622Arg (NM_001363813.1); short protein forms P687R, P622R.
Identifiers: ClinVar variation 5032644 (VCV005032644.1).

ClinVar aggregate classification (germline): Uncertain significance (1 of 4 stars; one submission).

Conditions:
Hereditary cancer-predisposing syndrome. Also called: Neoplastic Syndromes, Hereditary; Tumor predisposition; Hereditary neoplastic syndrome; Hereditary Cancer Syndrome. Identifiers: Orphanet 140162, MedGen C0027672, MeSH D009386, MONDO:0015356.

gnomAD v4.1: 1 of 1,613,844 alleles (0.000062%); highest among the groups gnomAD compares: Non-Finnish European, 0.000085%; no homozygotes.

Submission:

Ambry Genetics
Classification: Uncertain significance for Hereditary cancer-predisposing syndrome. Last evaluated: 2026-07-07. Review status: criteria provided, single submitter. Criteria: Ambry Variant Classification Scheme 2023. Collection method: clinical testing. Allele origin: germline.
Comment: The p.P687R variant (also known as c.2060C>G), located in coding exon 7 of the AXIN2 gene, results from a C to G substitution at nucleotide position 2060. The proline at codon 687 is replaced by arginine, an amino acid with dissimilar properties. This amino acid position is conserved. In addition, the in silico prediction for this alteration is inconclusive. Based on the available evidence, the clinical significance of this variant remains unclear.